The following is an entry in ClinVar:

ClinVar aggregate classification (germline): Conflicting classifications of pathogenicity. Review status: criteria provided, conflicting classifications (1 of 4 stars). 5 submissions from 5 submitters: Likely pathogenic (2); Uncertain significance (3). Last evaluated 2024-03-29.

Conditions:
Lissencephaly due to TUBA1A mutation (CDCBM16). Also called: CORTICAL DYSPLASIA, COMPLEX, WITH OTHER BRAIN MALFORMATIONS 16; Lissencephaly 3. Identifiers: Orphanet 171680, MedGen C4305153, MONDO:0012703, OMIM 611603.
Tubulinopathy. Also called: Tubulinopathies. Identifiers: MedGen CN850169, MONDO:0100153.

Submissions (5):

Genomic Medicine Center of Excellence, King Faisal Specialist Hospital and Research Centre
Classification: Uncertain significance for Lissencephaly due to TUBA1A mutation. Last evaluated: 2024-03-29. Review status: criteria provided, single submitter. Criteria: ACMG Guidelines, 2015. Collection method: clinical testing. Allele origin: germline.

Revvity Omics, Revvity
Classification: Uncertain significance for Lissencephaly due to TUBA1A mutation. Last evaluated: 2024-03-26. Review status: criteria provided, single submitter. Criteria: ACMG Guidelines, 2015. Collection method: clinical testing. Allele origin: germline.

Institute of Human Genetics, FAU Erlangen, Friedrich-Alexander-Universität Erlangen-Nürnberg
Classification: Likely pathogenic for Tubulinopathies. Last evaluated: 2018-07-01. Review status: criteria provided, single submitter. Criteria: ACMG Guidelines, 2015. Collection method: literature only. Allele origin: germline. Affected: yes. Observed: 1 variant allele.
Comment: The c.82C>T, p.(His28Tyr) variant has been reported as a variant of germline/unknown origin.

Institute of Human Genetics, University of Leipzig Medical Center
Classification: Uncertain significance for Lissencephaly due to TUBA1A mutation. Last evaluated: 2018-03-15. Review status: criteria provided, single submitter. Criteria: ACMG Guidelines, 2015. Collection method: clinical testing. Allele origin: germline. Affected: yes. Observed: 1 variant allele.

GeneDx
Classification: Likely pathogenic. Last evaluated: 2016-01-12. Review status: criteria provided, single submitter. Criteria: GeneDx Variant Classification (06012015). Collection method: clinical testing. Allele origin: germline. Affected: yes.
Comment: The H28Y variant in the TUBA1A gene has not been reported previously as a pathogenic variant, nor as a benign variant, to our knowledge. The H28Y variant was not observed in approximately 6500 individuals of European and African American ancestry in the NHLBI Exome Sequencing Project, indicating it is not a common benign variant in these populations. The H28Y variant is a non-conservative amino acid substitution, which is likely to impact secondary protein structure as these residues differ in polarity, charge, size and/or other properties. This substitution occurs at a position that is conserved across species. In silico analysis predicts this variant is probably damaging to the protein structure/function. Missense variant in a nearby residue (E27Q) has been reported in the Human Gene Mutation Database in association with microcephaly and developmental delay (Stenson et al., 2014), supporting the functional importance of this region of the protein. The H28Y variant is a strong candidate for a pathogenic variant

Literature cited by the submitters: PubMed 30744660 (cited by Institute of Human Genetics, FAU Erlangen, Friedrich-Alexander-Universität Erlangen-Nürnberg); DOI 10.1101/427948 (cited by Institute of Human Genetics, FAU Erlangen, Friedrich-Alexander-Universität Erlangen-Nürnberg).

NM_006009.4(TUBA1A):c.82C>T (p.His28Tyr)

Gene: TUBA1A (tubulin alpha 1a; minus strand). Cytogenetic location: 12q13.12.
Variant type: single nucleotide variant.
Coding change: c.82C>T on transcript NM_006009.4 (MANE Select); coding-DNA position 82, C replaced by T.
Protein change: p.His28Tyr; replaces histidine 28 with tyrosine.
Molecular consequence: missense variant. On other transcripts: 5 prime UTR variant (1).
Genome position (GRCh38, 1-based): chr12:49,186,755, G>A on the plus strand (C>T on the coding strand, the complement: TUBA1A is on the minus strand). VCF-style: chr12-49186755-G-A. GRCh37 (hg19) VCF-style: chr12-49580538-G-A.
Other names: c.82C>T, p.His28Tyr (NM_001270399.2); c.-24C>T (NM_001270400.2); short protein forms H28Y.
Identifiers: ClinVar variation 432052 (VCV000432052.6), dbSNP rs1555162549, ClinGen allele CA384645701.
Genomic context (GRCh38, chr12:49,186,755, plus strand): 5'-AATCATCTCCTCCCCCAATGGTCTTGTCACTTGGCATCTGGCCATCGGGCTGGATGCCGT[G>A]TTCCAGGCAGTAGAGCTCCCAGCAGGCATTGCCAATCTGGACACCAGCCTGGCCAACGTG-3'
Protein context (NP_006000.2, residues 18-38): NACWELYCLE[His28Tyr]GIQPDGQMPS